The following is an entry in ClinVar:

NM_012144.4(DNAI1):c.1489G>A (p.Gly497Ser)

Gene: DNAI1 (dynein axonemal intermediate chain 1; plus strand). Cytogenetic location: 9p13.3.
Variant type: single nucleotide variant.
Coding change: c.1489G>A on transcript NM_012144.4 (MANE Select); coding-DNA position 1489, G replaced by A.
Protein change: p.Gly497Ser; replaces glycine 497 with serine.
Molecular consequence: missense variant.
Genome position (GRCh38, 1-based): chr9:34,512,424, G>A. VCF-style: chr9-34512424-G-A. GRCh37 (hg19) VCF-style: chr9-34512422-G-A.
Other names: c.1501G>A, p.Gly501Ser (NM_001281428.2); short protein forms G501S, G497S.
Identifiers: ClinVar variation 857186 (VCV000857186.12), dbSNP rs1212462636, ClinGen allele CA373261468.
Genomic context (GRCh38, chr9:34,512,424, plus strand): 5'-AAGCTGAAGGTGGAAGGCAGCACCACGGAAGTTCCTGAGGGGTTGCAGCTGCACCCAGTG[G>A]GTAGGAGCCCCAGCCCTCTCACCTCCAGGCCTGGCCAGGTCATTCAGGCCCAGTGAGGGT-3'
Protein context (NP_036276.1, residues 487-507): VPEGLQLHPV[Gly497Ser]CGTAFDFHKE

ClinVar aggregate classification (germline): Uncertain significance. Review status: criteria provided, multiple submitters, no conflicts (2 of 4 stars). 3 submissions from 3 submitters: Uncertain significance (2). 1 of the submissions does not count toward it. Last evaluated 2024-09-08.

Conditions:
Primary ciliary dyskinesia. Also called: Ciliary dyskinesia. Identifiers: Orphanet 244, MedGen C0008780, MONDO:0016575, HP:0012265.

Allele frequency attached by ClinVar (database versions not stated): gnomAD exomes below 0.00001.
gnomAD v4.1: 1 of 1,614,034 alleles (0.000062%); highest among the groups gnomAD compares: Non-Finnish European, 0.000085%; no homozygotes.

Submissions (3):

Labcorp Genetics (formerly Invitae), Labcorp
Classification: Uncertain significance for Primary ciliary dyskinesia. Last evaluated: 2024-09-08. Review status: criteria provided, single submitter. Criteria: Invitae Variant Classification Sherloc (09022015). Collection method: clinical testing. Allele origin: germline.
Comment: This sequence change replaces glycine, which is neutral and non-polar, with serine, which is neutral and polar, at codon 497 of the DNAI1 protein (p.Gly497Ser). This variant also falls at the last nucleotide of exon 15, which is part of the consensus splice site for this exon. The frequency data for this variant in the population databases is considered unreliable, as metrics indicate poor data quality at this position in the gnomAD database. This missense change has been observed in individual(s) with clinical features of DNAI1-related conditions (internal data). ClinVar contains an entry for this variant (Variation ID: 857186). An algorithm developed to predict the effect of missense changes on protein structure and function (PolyPhen-2) suggests that this variant is likely to be tolerated. Variants that disrupt the consensus splice site are a relatively common cause of aberrant splicing (PMID: 17576681, 9536098). Algorithms developed to predict the effect of sequence changes on RNA splicing suggest that this variant may disrupt the consensus splice site. In summary, the available evidence is currently insufficient to determine the role of this variant in disease. Therefore, it has been classified as a Variant of Uncertain Significance.

Blueprint Genetics
Classification: Uncertain significance. Last evaluated: 2022-02-25. Review status: criteria provided, single submitter. Criteria: ACMG Guidelines, 2015. Collection method: clinical testing. Allele origin: germline.

Natera, Inc.
Classification: Uncertain significance for Primary ciliary dyskinesia. Last evaluated: 2021-01-11. Review status: no assertion criteria provided. Collection method: clinical testing. Allele origin: germline. Not counted in ClinVar's aggregate classification.

Literature cited by the submitters: PubMed 17576681 (cited by Labcorp Genetics (formerly Invitae), Labcorp); PubMed 9536098 (cited by Labcorp Genetics (formerly Invitae), Labcorp).